The following is an entry in ClinVar:

NM_032866.5(CGNL1):c.1376C>T (p.Ser459Phe)

Gene: CGNL1 (cingulin like 1; plus strand). Cytogenetic location: 15q21.3.
Variant type: single nucleotide variant.
Coding change: c.1376C>T on transcript NM_032866.5 (MANE Select); coding-DNA position 1376, C replaced by T.
Protein change: p.Ser459Phe; replaces serine 459 with phenylalanine.
Molecular consequence: missense variant.
Genome position (GRCh38, 1-based): chr15:57,439,375, C>T. VCF-style: chr15-57439375-C-T. GRCh37 (hg19) VCF-style: chr15-57731573-C-T.
Other names: c.1376C>T, p.Ser459Phe (NM_001252335.2); short protein forms S459F.
Identifiers: ClinVar variation 3059347 (VCV003059347.2), dbSNP rs7182648, ClinGen allele CA7581769.

ClinVar aggregate classification (germline): Benign (0 of 4 stars; one submission).

Conditions:
CGNL1-related disorder. Also called: CGNL1-related condition.

Allele frequency attached by ClinVar (database versions not stated): 1000 Genomes Project 0.19050; 1000 Genomes Project 30x 0.19051; gnomAD 0.20474; TOPMed 0.20542; ESP Exome Variant Server 0.21368.
gnomAD v4.1: 333,805 of 1,613,886 alleles (21%); highest among the groups gnomAD compares: Middle Eastern, 25%; 35,177 homozygotes.

Submission:

PreventionGenetics, part of Exact Sciences
Classification: Benign for CGNL1-related condition. Last evaluated: 2020-11-03. Review status: no assertion criteria provided. Collection method: clinical testing. Allele origin: germline.
Comment: This variant is classified as benign based on ACMG/AMP sequence variant interpretation guidelines (Richards et al. 2015 PMID: 25741868, with internal and published modifications).